The following is an entry in ClinVar:

ClinVar aggregate classification (germline): Likely benign (1 of 4 stars; one submission).

gnomAD v4.1: 4 of 1,573,280 alleles (0.00025%); highest among the groups gnomAD compares: Admixed American, 0.0017%; no homozygotes.

Submission:

CeGaT Center for Human Genetics Tuebingen
Classification: Likely benign. Last evaluated: 2025-12-01. Review status: criteria provided, single submitter. Criteria: CeGaT Center For Human Genetics Tuebingen Variant Classification Criteria Version 2. Collection method: clinical testing. Allele origin: germline. Affected: yes. Observed: 1 variant allele.
Comment: DLST: BP4, BP7

NM_001933.5(DLST):c.30G>C (p.Arg10=)

Gene: DLST (dihydrolipoamide S-succinyltransferase; plus strand). Cytogenetic location: 14q24.3.
Variant type: single nucleotide variant.
Coding change: c.30G>C on transcript NM_001933.5 (MANE Select); coding-DNA position 30, G replaced by C.
Protein change: p.Arg10=; no amino-acid change (arginine 10 retained).
Molecular consequence: synonymous variant. On other transcripts: non-coding transcript variant (2).
Genome position (GRCh38, 1-based): chr14:74,881,983, G>C. VCF-style: chr14-74881983-G-C. GRCh37 (hg19) VCF-style: chr14-75348686-G-C.
Other names: c.30G>C, p.Arg10= (NM_001244883.2).
Identifiers: ClinVar variation 4682045 (VCV004682045.5).
Genomic context (GRCh38, chr14:74,881,983, plus strand): 5'-GTGTCCGCCCGCCCTCGGCTCCTCCGCCGTGATGCTGTCCCGATCCCGCTGTGTGTCTCG[G>C]GCGTTCAGCCGCTCGCTCTCCGCCTTCCAGAAGGTACGGTCTGGCCGAGCCGGGGCCCCG-3'
Protein context (NP_001924.2, residues 1-20): MLSRSRCVS[Arg10=]AFSRSLSAFQ